The following is an entry in ClinVar:

ClinVar aggregate classification (germline): Uncertain significance. Review status: criteria provided, multiple submitters, no conflicts (2 of 4 stars). 2 submissions from 2 submitters: Uncertain significance (2). Last evaluated 2022-10-25.

Allele frequency attached by ClinVar (database versions not stated): gnomAD below 0.00001 and 0.00003; TOPMed 0.00002; gnomAD exomes 0.00008 and 0.00018; ExAC 0.00017.
gnomAD v4.1: 119 of 1,613,730 alleles (0.0074%); highest among the groups gnomAD compares: South Asian, 0.11%; 3 homozygotes.

Submissions (2):

Labcorp Genetics (formerly Invitae), Labcorp
Classification: Uncertain significance. Last evaluated: 2022-10-25. Review status: criteria provided, single submitter. Criteria: Invitae Variant Classification Sherloc (09022015). Collection method: clinical testing. Allele origin: germline.
Comment: This sequence change replaces serine, which is neutral and polar, with proline, which is neutral and non-polar, at codon 149 of the C8A protein (p.Ser149Pro). This variant is present in population databases (rs764626828, gnomAD 0.1%). This variant has not been reported in the literature in individuals affected with C8A-related conditions. ClinVar contains an entry for this variant (Variation ID: 424158). Algorithms developed to predict the effect of missense changes on protein structure and function are either unavailable or do not agree on the potential impact of this missense change (SIFT: "Tolerated"; PolyPhen-2: "Possibly Damaging"; Align-GVGD: "Class C0"). In summary, the available evidence is currently insufficient to determine the role of this variant in disease. Therefore, it has been classified as a Variant of Uncertain Significance.

GeneDx
Classification: Uncertain significance. Last evaluated: 2017-03-08. Review status: criteria provided, single submitter. Criteria: GeneDx Variant Classification (06012015). Collection method: clinical testing. Allele origin: germline. Affected: yes.
Comment: The S149P variant in the C8A gene has not been reported previously as a pathogenic variant, nor as a benign variant, to our knowledge. The S149P variant is observed in 17/16496 (0.103%) alleles from individuals of South Asian background in the ExAC dataset (Lek et al., 2016). The S149P variant is a non-conservative amino acid substitution, which is likely to impact secondary protein structure as these residues differ in polarity, charge, size and/or other properties. This substitution occurs at a position that is conserved in mammals, and in silico analysis predicts this variant is probably damaging to the protein structure/function. We interpret S149P as a variant of uncertain significance.

NM_000562.3(C8A):c.445T>C (p.Ser149Pro)

Gene: C8A (complement C8 alpha chain; plus strand). Cytogenetic location: 1p32.2.
Variant type: single nucleotide variant.
Coding change: c.445T>C on transcript NM_000562.3 (MANE Select); coding-DNA position 445, T replaced by C.
Protein change: p.Ser149Pro; replaces serine 149 with proline.
Molecular consequence: missense variant.
Genome position (GRCh38, 1-based): chr1:56,876,190, T>C. VCF-style: chr1-56876190-T-C. GRCh37 (hg19) VCF-style: chr1-57341863-T-C.
Other names: short protein forms S149P.
Identifiers: ClinVar variation 424158 (VCV000424158.4), dbSNP rs764626828, ClinGen allele CA875030.